The following is an entry in ClinVar:

NM_003049.4(SLC10A1):c.517G>C (p.Gly173Arg)

Gene: SLC10A1 (solute carrier family 10 member 1; minus strand). Cytogenetic location: 14q24.1.
Variant type: single nucleotide variant.
Coding change: c.517G>C on transcript NM_003049.4 (MANE Select); coding-DNA position 517, G replaced by C.
Protein change: p.Gly173Arg; replaces glycine 173 with arginine.
Molecular consequence: missense variant.
Genome position (GRCh38, 1-based): chr14:69,786,147, C>G on the plus strand (G>C on the coding strand, the complement: SLC10A1 is on the minus strand). VCF-style: chr14-69786147-C-G. GRCh37 (hg19) VCF-style: chr14-70252864-C-G.
Other names: p.Gly173Arg; c.517G>C (NM_003049.3); short protein forms G173R.
Identifiers: ClinVar variation 502018 (VCV000502018.8), dbSNP rs750470666, ClinGen allele CA7246141.
Genomic context (GRCh38, chr14:69,786,147, plus strand): 5'-AGGTTCTTACCTTGATGACATAGCGCATGTATTGTGGCCGTTTGGATTTGAGGACGATCC[C>G]TATGGTGCAAGGAATGAGAACCAGGACCAGTGATATCACGATGCCTTTATAGGGCACCTT-3'
Protein context (NP_003040.1, residues 163-183): LVLVLIPCTI[Gly173Arg]IVLKSKRPQY

ClinVar aggregate classification (germline): Uncertain significance. Review status: criteria provided, multiple submitters, no conflicts (2 of 4 stars). 3 submissions from 3 submitters: Uncertain significance (2). 1 of the submissions does not count toward it. Last evaluated 2022-03-03.

Conditions:
SLC10A1-related disorder. Also called: SLC10A1-related condition.

Allele frequency attached by ClinVar (database versions not stated): gnomAD 0.00004; gnomAD exomes 0.00004 and 0.00024; TOPMed 0.00006; ExAC 0.00018.
gnomAD v4.1: 72 of 1,613,980 alleles (0.0045%); highest among the groups gnomAD compares: Admixed American, 0.12%; no homozygotes.

Submissions (3):

Mayo Clinic Laboratories, Mayo Clinic
Classification: Uncertain significance. Last evaluated: 2022-03-03. Review status: criteria provided, single submitter. Criteria: ACMG Guidelines, 2015. Collection method: clinical testing. Allele origin: germline. Observed: 1 variant allele.
Comment: PP3

Eurofins Ntd Llc (ga)
Classification: Uncertain significance. Last evaluated: 2017-12-27. Review status: criteria provided, single submitter. Criteria: EGL Classification Definitions 2015. Collection method: clinical testing. Allele origin: germline. Observed: 3 variant alleles, 3 heterozygotes.

PreventionGenetics, part of Exact Sciences
Classification: Likely benign for SLC10A1-related condition. Last evaluated: 2022-11-11. Review status: no assertion criteria provided. Collection method: clinical testing. Allele origin: germline. Not counted in ClinVar's aggregate classification.
Comment: This variant is classified as likely benign based on ACMG/AMP sequence variant interpretation guidelines (Richards et al. 2015 PMID: 25741868, with internal and published modifications).